The following is an entry in ClinVar:

ClinVar aggregate classification (germline): Uncertain significance. Review status: criteria provided, multiple submitters, no conflicts (2 of 4 stars). 2 submissions from 2 submitters: Uncertain significance (2). Last evaluated 2025-05-25.

Conditions:
Hereditary cancer-predisposing syndrome. Also called: Neoplastic Syndromes, Hereditary; Hereditary neoplastic syndrome; Tumor predisposition; Hereditary Cancer Syndrome. Identifiers: Orphanet 140162, MedGen C0027672, MeSH D009386, MONDO:0015356.

Submissions (2):

Labcorp Genetics (formerly Invitae), Labcorp
Classification: Uncertain significance. Last evaluated: 2025-05-25. Review status: criteria provided, single submitter. Criteria: Invitae Variant Classification Sherloc (09022015). Collection method: clinical testing. Allele origin: germline.
Comment: This sequence change replaces glutamic acid, which is acidic and polar, with glutamine, which is neutral and polar, at codon 318 of the POLE protein (p.Glu318Gln). This variant is not present in population databases (gnomAD no frequency). This variant has not been reported in the literature in individuals affected with POLE-related conditions. ClinVar contains an entry for this variant (Variation ID: 2825378). Invitae Evidence Modeling of protein sequence and biophysical properties (such as structural, functional, and spatial information, amino acid conservation, physicochemical variation, residue mobility, and thermodynamic stability) indicates that this missense variant is not expected to disrupt POLE protein function with a negative predictive value of 80%. In summary, the available evidence is currently insufficient to determine the role of this variant in disease. Therefore, it has been classified as a Variant of Uncertain Significance.

Ambry Genetics
Classification: Uncertain significance for Hereditary cancer-predisposing syndrome. Last evaluated: 2024-09-06. Review status: criteria provided, single submitter. Criteria: Ambry Variant Classification Scheme 2023. Collection method: clinical testing. Allele origin: germline.
Comment: The p.E318Q variant (also known as c.952G>C), located in coding exon 10 of the POLE gene, results from a G to C substitution at nucleotide position 952. The glutamic acid at codon 318 is replaced by glutamine, an amino acid with highly similar properties. This amino acid position is conserved. In addition, this alteration is predicted to be tolerated by in silico analysis. Based on the available evidence, the clinical significance of this variant remains unclear.

NM_006231.4(POLE):c.952G>C (p.Glu318Gln)

Gene: POLE (DNA polymerase epsilon, catalytic subunit; minus strand). Cytogenetic location: 12q24.33.
Variant type: single nucleotide variant.
Coding change: c.952G>C on transcript NM_006231.4 (MANE Select); coding-DNA position 952, G replaced by C.
Protein change: p.Glu318Gln; replaces glutamic acid 318 with glutamine.
Molecular consequence: missense variant.
Genome position (GRCh38, 1-based): chr12:132,676,162, C>G on the plus strand (G>C on the coding strand, the complement: POLE is on the minus strand). VCF-style: chr12-132676162-C-G. GRCh37 (hg19) VCF-style: chr12-133252748-C-G.
Other names: c.952G>C (NM_006231.2); short protein forms E318Q.
Identifiers: ClinVar variation 2825378 (VCV002825378.4), dbSNP rs775365628, ClinGen allele CA387363796.